The following is an entry in ClinVar:

ClinVar aggregate classification (germline): Uncertain significance. Review status: criteria provided, multiple submitters, no conflicts (2 of 4 stars). 2 submissions from 2 submitters: Uncertain significance (2). Last evaluated 2025-08-31.

Conditions:
Inborn genetic diseases. Identifiers: MedGen C0950123, MeSH D030342.

Allele frequency attached by ClinVar (database versions not stated): gnomAD exomes below 0.00001; gnomAD 0.00001; TOPMed 0.00001.
gnomAD v4.1: 8 of 1,604,282 alleles (0.0005%); highest among the groups gnomAD compares: Non-Finnish European, 0.00068%; no homozygotes.

Submissions (2):

Ambry Genetics
Classification: Uncertain significance for Inborn genetic diseases. Last evaluated: 2025-08-31. Review status: criteria provided, single submitter. Criteria: Ambry Variant Classification Scheme 2023. Collection method: clinical testing. Allele origin: germline.

Labcorp Genetics (formerly Invitae), Labcorp
Classification: Uncertain significance. Last evaluated: 2022-07-26. Review status: criteria provided, single submitter. Criteria: Invitae Variant Classification Sherloc (09022015). Collection method: clinical testing. Allele origin: germline.
Comment: In summary, the available evidence is currently insufficient to determine the role of this variant in disease. Therefore, it has been classified as a Variant of Uncertain Significance. Algorithms developed to predict the effect of missense changes on protein structure and function (SIFT, PolyPhen-2, Align-GVGD) all suggest that this variant is likely to be tolerated. This variant has not been reported in the literature in individuals affected with CAMTA1-related conditions. This variant is present in population databases (rs562419410, gnomAD 0.007%). This sequence change replaces threonine, which is neutral and polar, with alanine, which is neutral and non-polar, at codon 1217 of the CAMTA1 protein (p.Thr1217Ala).

NM_015215.4(CAMTA1):c.3649A>G (p.Thr1217Ala)

Gene: CAMTA1 (calmodulin binding transcription activator 1; plus strand). Cytogenetic location: 1p36.23.
Variant type: single nucleotide variant.
Coding change: c.3649A>G on transcript NM_015215.4 (MANE Select); coding-DNA position 3649, A replaced by G.
Protein change: p.Thr1217Ala; replaces threonine 1217 with alanine.
Molecular consequence: missense variant.
Genome position (GRCh38, 1-based): chr1:7,737,561, A>G. VCF-style: chr1-7737561-A-G. GRCh37 (hg19) VCF-style: chr1-7797621-A-G.
Other names: c.3559A>G, p.Thr1187Ala (NM_001349608.2, NM_001349612.2); c.3649A>G, p.Thr1217Ala (NM_001349609.2, NM_001349610.2, NM_001410737.1); c.778A>G, p.Thr260Ala (NM_001349613.1); c.721A>G, p.Thr241Ala (NM_001349614.1, NM_001349615.2, NM_001349616.2 and 10 more transcripts); c.3577A>G, p.Thr1193Ala (NM_001410738.1); c.3649A>G (NM_015215.2); short protein forms T260A, T1217A, T241A, T1187A, T1193A.
Identifiers: ClinVar variation 2193387 (VCV002193387.5), dbSNP rs562419410, ClinGen allele CA17230813.